The following is an entry in ClinVar:

ClinVar aggregate classification (germline): Uncertain significance (1 of 4 stars; one submission).

Conditions:
Neurofibromatosis, type 1 (NF1). Also called: Peripheral type neurofibromatosis; Neurofibromatosis, type I; NEUROFIBROMATOSIS, TYPE I, SOMATIC; VON RECKLINGHAUSEN DISEASE. Identifiers: Orphanet 636, MedGen C0027831, MONDO:0018975, OMIM 162200. Disease mechanism: loss of function.

Submission:

Labcorp Genetics (formerly Invitae), Labcorp
Classification: Uncertain significance for Neurofibromatosis, type 1. Last evaluated: 2021-02-04. Review status: criteria provided, single submitter. Criteria: Invitae Variant Classification Sherloc (09022015). Collection method: clinical testing. Allele origin: germline.
Comment: This variant is not present in population databases (ExAC no frequency). This variant has not been reported in the literature in individuals with NF1-related conditions. This sequence change replaces phenylalanine with serine at codon 358 of the NF1 protein (p.Phe358Ser). The phenylalanine residue is highly conserved and there is a large physicochemical difference between phenylalanine and serine. Advanced modeling of protein sequence and biophysical properties (such as structural, functional, and spatial information, amino acid conservation, physicochemical variation, residue mobility, and thermodynamic stability) performed at Invitae indicates that this missense variant is expected to disrupt NF1 protein function. In summary, the available evidence is currently insufficient to determine the role of this variant in disease. Therefore, it has been classified as a Variant of Uncertain Significance.

NM_001042492.3(NF1):c.1073T>C (p.Phe358Ser)

Gene: NF1 (neurofibromin 1; plus strand). Cytogenetic location: 17q11.2.
Variant type: single nucleotide variant.
Coding change: c.1073T>C on transcript NM_001042492.3 (MANE Select); coding-DNA position 1073, T replaced by C.
Protein change: p.Phe358Ser; replaces phenylalanine 358 with serine.
Molecular consequence: missense variant.
Genome position (GRCh38, 1-based): chr17:31,201,047, T>C. VCF-style: chr17-31201047-T-C. GRCh37 (hg19) VCF-style: chr17-29528065-T-C.
Other names: c.1073T>C, p.Phe358Ser (NM_000267.4, NM_001128147.3); short protein forms F358S.
Identifiers: ClinVar variation 1368622 (VCV001368622.8), dbSNP rs2066518753, ClinGen allele CA398996719.
Genomic context (GRCh38, chr17:31,201,047, plus strand): 5'-ATACTGCATGGGTATTTAAAGGCTTTTGTTTTCTGTTGGGGTTTTTATAGAACCTGCTTT[T>C]TAATCCAAGTAAGCCATTCTCAAGAGGCAGTCAGCCTGCAGATGTGGATCTAATGATTGA-3'
Protein context (NP_001035957.1, residues 348-368): SMVVDLKNLL[Phe358Ser]NPSKPFSRGS